The following is an entry in ClinVar:

ClinVar aggregate classification (germline): Uncertain significance (1 of 4 stars; one submission).

Submission:

Labcorp Genetics (formerly Invitae), Labcorp
Classification: Uncertain significance. Last evaluated: 2024-05-21. Review status: criteria provided, single submitter. Criteria: Invitae Variant Classification Sherloc (09022015). Collection method: clinical testing. Allele origin: germline.
Comment: This sequence change falls in intron 7 of the FH gene. It does not directly change the encoded amino acid sequence of the FH protein. It affects a nucleotide within the consensus splice site. This variant is not present in population databases (gnomAD no frequency). This variant has not been reported in the literature in individuals affected with FH-related conditions. ClinVar contains an entry for this variant (Variation ID: 935648). Variants that disrupt the consensus splice site are a relatively common cause of aberrant splicing (PMID: 17576681, 9536098). Algorithms developed to predict the effect of sequence changes on RNA splicing suggest that this variant may disrupt the consensus splice site. In summary, the available evidence is currently insufficient to determine the role of this variant in disease. Therefore, it has been classified as a Variant of Uncertain Significance.

Literature cited by the submitters: PubMed 17576681; PubMed 9536098.

NM_000143.4(FH):c.1109-3A>G

Gene: FH (fumarate hydratase; minus strand). Cytogenetic location: 1q43.
Variant type: single nucleotide variant.
Coding change: c.1109-3A>G on transcript NM_000143.4 (MANE Select); 3 bases into the intron before coding-DNA position 1109, A replaced by G.
Molecular consequence: intron variant.
Genome position (GRCh38, 1-based): chr1:241,502,573, T>C on the plus strand (A>G on the coding strand, the complement: FH is on the minus strand). VCF-style: chr1-241502573-T-C. GRCh37 (hg19) VCF-style: chr1-241665873-T-C.
Identifiers: ClinVar variation 935648 (VCV000935648.10), dbSNP rs1659810726, ClinGen allele CA1139656722.